The following is an entry in ClinVar:

NM_004725.4(BUB3):c.162G>C (p.Gln54His)

Gene: BUB3 (BUB3 mitotic checkpoint protein; plus strand). Cytogenetic location: 10q26.13.
Variant type: single nucleotide variant.
Coding change: c.162G>C on transcript NM_004725.4 (MANE Select); coding-DNA position 162, G replaced by C.
Protein change: p.Gln54His; replaces glutamine 54 with histidine.
Molecular consequence: missense variant.
Genome position (GRCh38, 1-based): chr10:123,155,079, G>C. VCF-style: chr10-123155079-G-C. GRCh37 (hg19) VCF-style: chr10-124914595-G-C.
Other names: c.162G>C, p.Gln54His (NM_001007793.3); short protein forms Q54H.
Identifiers: ClinVar variation 1776802 (VCV001776802.2), dbSNP rs2493755577, ClinGen allele CA378625068.

ClinVar aggregate classification (germline): Uncertain significance (1 of 4 stars; one submission).

Submission:

Ambry Genetics
Classification: Uncertain significance. Last evaluated: 2024-01-20. Review status: criteria provided, single submitter. Criteria: Ambry Variant Classification Scheme 2023. Collection method: clinical testing. Allele origin: germline.
Comment: The p.Q54H variant (also known as c.162G>C), located in coding exon 1 of the BUB3 gene, results from a G to C substitution at nucleotide position 162. The glutamine at codon 54 is replaced by histidine, an amino acid with highly similar properties. This amino acid position is conserved. In addition, this alteration is predicted to be tolerated by in silico analysis. Since supporting evidence is limited at this time, the clinical significance of this alteration remains unclear.